The following is an entry in ClinVar:

NM_032427.4(MAML2):c.1794G>A (p.Gln598=)

Gene: MAML2 (mastermind like transcriptional coactivator 2; minus strand). Cytogenetic location: 11q21.
Variant type: single nucleotide variant.
Coding change: c.1794G>A on transcript NM_032427.4 (MANE Select); coding-DNA position 1794, G replaced by A.
Protein change: p.Gln598=; no amino-acid change (glutamine 598 retained).
Molecular consequence: synonymous variant.
Genome position (GRCh38, 1-based): chr11:96,092,237, C>T on the plus strand (G>A on the coding strand, the complement: MAML2 is on the minus strand). VCF-style: chr11-96092237-C-T. GRCh37 (hg19) VCF-style: chr11-95825401-C-T.
Identifiers: ClinVar variation 2642307 (VCV002642307.24), dbSNP rs564983573, ClinGen allele CA226603323.
Genomic context (GRCh38, chr11:96,092,237, plus strand): 5'-CTGTTGCTGTTGCTGTTGCTGCTGCTGCTGCTGTTGCTGCTGCTGCTGCTGCTGCTGCTG[C>T]TGCTGCTGCTGCTGTTGCTGCTGTTGCTGTTGGGTGTAGTGTAGGAGAGAAGGCTTGTTC-3'
Protein context (NP_115803.1, residues 588-608): QQQQQQQQQQ[Gln598=]QQQQQQQQQQ

ClinVar aggregate classification (germline): Likely benign (1 of 4 stars; one submission).

Allele frequency attached by ClinVar (database versions not stated): 1000 Genomes Project 0.00260.

Submission:

CeGaT Center for Human Genetics Tuebingen
Classification: Likely benign. Last evaluated: 2023-03-01. Review status: criteria provided, single submitter. Criteria: CeGaT Center For Human Genetics Tuebingen Variant Classification Criteria Version 2. Collection method: clinical testing. Allele origin: germline. Affected: yes. Observed: 1 variant allele.
Comment: MAML2: BP4, BP7